The following is an entry in ClinVar:

NM_000359.3(TGM1):c.660del (p.Gln221fs)

Gene: TGM1 (transglutaminase 1; minus strand). Cytogenetic location: 14q12.
Variant type: Deletion.
Coding change: c.660del on transcript NM_000359.3 (MANE Select); coding-DNA position 660, one base deleted (T; older notation c.660delT).
Protein change: p.Gln221fs; shifts the reading frame from glutamine 221.
Molecular consequence: frameshift variant.
Genome position (GRCh38, 1-based): chr14:24,260,547, A deleted on the plus strand (T on the coding strand, the reverse complement: TGM1 is on the minus strand); the first of 3 consecutive A bases (chr14:24,260,547-24,260,549); deleting any one gives the same sequence. VCF-style (leftmost placement, unchanged base first): chr14-24260546-GA-G. GRCh37 (hg19) VCF-style: chr14-24729752-GA-G.
Other names: short protein forms Q221fs.
Identifiers: ClinVar variation 5013780 (VCV005013780.1).

ClinVar aggregate classification (germline): Pathogenic (1 of 4 stars; one submission).

Conditions:
Autosomal recessive congenital ichthyosis 1 (LI1). Also called: DESQUAMATION OF NEWBORN; ICHTHYOSIS CONGENITA; ICHTHYOSIS CONGENITA II; LAMELLAR EXFOLIATION OF NEWBORN; ICHTHYOSIS, CONGENITAL, AUTOSOMAL RECESSIVE 1, WITH BATHING SUIT DISTRIBUTION; ICHTHYOSIS, CONGENITAL, AUTOSOMAL RECESSIVE 1, WITH OR WITHOUT BATHING SUIT DISTRIBUTION. Identifiers: MedGen C4551630, MONDO:0009441, OMIM 242300.

Submission:

Myriad Genetics, Inc.
Classification: Pathogenic for Autosomal recessive congenital ichthyosis 1. Last evaluated: 2024-11-21. Review status: criteria provided, single submitter. Criteria: Myriad Autosomal Dominant, Autosomal Recessive and X-Linked Classification Criteria (2023). Collection method: clinical testing. Allele origin: unknown.
Comment: NM_000359.2(TGM1):c.660delT(Q221Sfs*109) is expected to be pathogenic in the context of TGM1-related autosomal recessive congenital ichthyosis. This variant is predicted to lead to an abnormal or absent protein product due to the creation of a premature termination codon in TGM1, a gene where loss-of-function variants are known to be pathogenic. Please note: this variant was assessed in the context of healthy population screening.